The following is an entry in ClinVar:

ClinVar aggregate classification (germline): Uncertain significance. Review status: criteria provided, single submitter (1 of 4 stars). 2 submissions from 2 submitters: Uncertain significance (1). 1 of the submissions does not count toward it. Last evaluated 2025-07-14.

Conditions:
Familial dysautonomia. Also called: HSAN III; FD. Identifiers: Orphanet 1764, MedGen C0013364, MONDO:0009131, OMIM 223900. Disease mechanism: loss of function.

Allele frequency attached by ClinVar (database versions not stated): gnomAD 0.00007 and 0.00008; ESP Exome Variant Server 0.00008; ExAC 0.00009; gnomAD exomes 0.00009.
gnomAD v4.1: 62 of 1,614,056 alleles (0.0038%); highest among the groups gnomAD compares: Non-Finnish European, 0.00085%; no homozygotes.

Submissions (2):

Labcorp Genetics (formerly Invitae), Labcorp
Classification: Uncertain significance. Last evaluated: 2025-07-14. Review status: criteria provided, single submitter. Criteria: Invitae Variant Classification Sherloc (09022015). Collection method: clinical testing. Allele origin: germline.
Comment: This sequence change replaces glycine, which is neutral and non-polar, with cysteine, which is neutral and slightly polar, at codon 365 of the ELP1 protein (p.Gly365Cys). This variant is present in population databases (rs367921553, gnomAD 0.1%). This variant has not been reported in the literature in individuals affected with ELP1-related conditions. ClinVar contains an entry for this variant (Variation ID: 1037434). An algorithm developed to predict the effect of missense changes on protein structure and function (PolyPhen-2) suggests that this variant is likely to be disruptive. In summary, the available evidence is currently insufficient to determine the role of this variant in disease. Therefore, it has been classified as a Variant of Uncertain Significance.

Natera, Inc.
Classification: Uncertain significance for Familial dysautonomia. Last evaluated: 2020-02-10. Review status: no assertion criteria provided. Collection method: clinical testing. Allele origin: germline. Not counted in ClinVar's aggregate classification.

NM_003640.5(ELP1):c.1093G>T (p.Gly365Cys)

Gene: ELP1 (elongator acetyltransferase complex subunit 1; minus strand). Cytogenetic location: 9q31.3.
Variant type: single nucleotide variant.
Coding change: c.1093G>T on transcript NM_003640.5 (MANE Select); coding-DNA position 1093, G replaced by T.
Protein change: p.Gly365Cys; replaces glycine 365 with cysteine.
Molecular consequence: missense variant.
Genome position (GRCh38, 1-based): chr9:108,912,360, C>A on the plus strand (G>T on the coding strand, the complement: ELP1 is on the minus strand). VCF-style: chr9-108912360-C-A. GRCh37 (hg19) VCF-style: chr9-111674640-C-A.
Other names: c.751G>T, p.Gly251Cys (NM_001318360.2); c.46G>T, p.Gly16Cys (NM_001330749.2); short protein forms G16C, G365C, G251C.
Identifiers: ClinVar variation 1037434 (VCV001037434.4), dbSNP rs367921553, ClinGen allele CA5175128.